The following is an entry in ClinVar:

ClinVar aggregate classification (germline): Benign. Review status: criteria provided, multiple submitters, no conflicts (2 of 4 stars). 3 submissions from 3 submitters: Benign (2). 1 of the submissions does not count toward it. Last evaluated 2019-12-31.

Conditions:
KDR-related disorder. Also called: KDR-related condition.

Allele frequency attached by ClinVar (database versions not stated): gnomAD exomes 0.00193; ExAC 0.00222; 1000 Genomes Project 0.00639; gnomAD 0.00679 and 0.00734; 1000 Genomes Project 30x 0.00750; TOPMed 0.00751; ESP Exome Variant Server 0.00753.
gnomAD v4.1: 2,419 of 1,614,044 alleles (0.15%); highest among the groups gnomAD compares: African/African-American, 2.3%; 20 homozygotes.

Submissions (3):

Labcorp Genetics (formerly Invitae), Labcorp
Classification: Benign. Last evaluated: 2019-12-31. Review status: criteria provided, single submitter. Criteria: Invitae Variant Classification Sherloc (09022015). Collection method: clinical testing. Allele origin: germline.

Breakthrough Genomics
Classification: Benign. Review status: criteria provided, single submitter. Criteria: ACMG Guidelines, 2015. Collection method: not provided. Allele origin: germline. Inheritance: Autosomal dominant inheritance. Affected: yes.

PreventionGenetics, part of Exact Sciences
Classification: Benign for KDR-related condition. Last evaluated: 2023-12-21. Review status: no assertion criteria provided. Collection method: clinical testing. Allele origin: germline. Not counted in ClinVar's aggregate classification.
Comment: This variant is classified as benign based on ACMG/AMP sequence variant interpretation guidelines (Richards et al. 2015 PMID: 25741868, with internal and published modifications).

NM_002253.4(KDR):c.204T>C (p.Ser68=)

Gene: KDR (kinase insert domain receptor; minus strand). Cytogenetic location: 4q12.
Variant type: single nucleotide variant.
Coding change: c.204T>C on transcript NM_002253.4 (MANE Select); coding-DNA position 204, T replaced by C.
Protein change: p.Ser68=; no amino-acid change (serine 68 retained).
Molecular consequence: synonymous variant.
Genome position (GRCh38, 1-based): chr4:55,118,758, A>G on the plus strand (T>C on the coding strand, the complement: KDR is on the minus strand). VCF-style: chr4-55118758-A-G. GRCh37 (hg19) VCF-style: chr4-55984925-A-G.
Identifiers: ClinVar variation 695647 (VCV000695647.7), dbSNP rs141641290, ClinGen allele CA2925101.